The following is an entry in ClinVar:

NM_201384.3(PLEC):c.5712C>T (p.Ser1904=)

Gene: PLEC (plectin; minus strand). Cytogenetic location: 8q24.3.
Variant type: single nucleotide variant.
Coding change: c.5712C>T on transcript NM_201384.3 (MANE Select); coding-DNA position 5712, C replaced by T.
Protein change: p.Ser1904=; no amino-acid change (serine 1904 retained).
Molecular consequence: synonymous variant.
Genome position (GRCh38, 1-based): chr8:143,924,217, G>A on the plus strand (C>T on the coding strand, the complement: PLEC is on the minus strand). VCF-style: chr8-143924217-G-A. GRCh37 (hg19) VCF-style: chr8-144998385-G-A.
Other names: p.Ser1890=; c.5793C>T, p.Ser1931= (NM_000445.5); c.5670C>T, p.Ser1890= (NM_201378.4); c.5646C>T, p.Ser1882= (NM_201379.3); c.6123C>T, p.Ser2041= (NM_201380.4); c.5616C>T, p.Ser1872= (NM_201381.3); c.5712C>T, p.Ser1904= (NM_201382.4); c.5724C>T, p.Ser1908= (NM_201383.3).
Identifiers: ClinVar variation 196734 (VCV000196734.44), dbSNP rs115735672, ClinGen allele CA202528.

ClinVar aggregate classification (germline): Benign/Likely benign. Review status: criteria provided, multiple submitters, no conflicts (2 of 4 stars). 7 submissions from 7 submitters: Benign (5); Likely benign (2). Last evaluated 2026-02-01.

Conditions:
Epidermolysis bullosa simplex, Ogna type (EBS5A). Also called: Pidermolysis bullosa simplex 5A, Ogna type; EPIDERMOLYSIS BULLOSA SIMPLEX 5A, OGNA TYPE. Identifiers: Orphanet 79401, MedGen C0432317, MONDO:0007555, OMIM 131950.
Epidermolysis bullosa simplex 5C, with pyloric atresia (EBS5C). Also called: PLEC-Related Epidermolysis Bullosa with Pyloric Atresia; Epidermolysis bullosa simplex with pyloric atresia; PLEC1-Related Epidermolysis Bullosa with Pyloric Atresia. Identifiers: Orphanet 158684, MedGen C2677349, MONDO:0012807, OMIM 612138.
Autosomal recessive limb-girdle muscular dystrophy type 2Q (LGMDR17). Also called: MUSCULAR DYSTROPHY, LIMB-GIRDLE, AUTOSOMAL RECESSIVE 17. Identifiers: Orphanet 254361, MedGen C3150989, MONDO:0013390, OMIM 613723.
Epidermolysis bullosa simplex with nail dystrophy (EBS5D). Identifiers: MedGen C4225309, MONDO:0014661, OMIM 616487.
Epidermolysis bullosa simplex 5B, with muscular dystrophy (EBS5B). Also called: EPIDERMOLYSIS BULLOSA SIMPLEX AND LIMB-GIRDLE MUSCULAR DYSTROPHY; Epidermolysis bullosa simplex with muscular dystrophy. Identifiers: Orphanet 257, MedGen C2931072, MONDO:0009181, OMIM 226670.

Allele frequency attached by ClinVar (database versions not stated): gnomAD exomes 0.00094; ExAC 0.00102; ESP Exome Variant Server 0.00374; gnomAD 0.00374 and 0.00404; 1000 Genomes Project 30x 0.00390; 1000 Genomes Project 0.00419; TOPMed 0.00422.

Submissions (7):

Labcorp Genetics (formerly Invitae), Labcorp
Classification: Benign for Autosomal recessive limb-girdle muscular dystrophy type 2Q; Epidermolysis bullosa simplex, Ogna type; Epidermolysis bullosa simplex with nail dystrophy; Epidermolysis bullosa simplex 5C, with pyloric atresia; Epidermolysis bullosa simplex 5B, with muscular dystrophy. Last evaluated: 2026-02-01. Review status: criteria provided, single submitter. Criteria: Invitae Variant Classification Sherloc (09022015). Collection method: clinical testing. Allele origin: germline.

Mayo Clinic Laboratories, Mayo Clinic
Classification: Benign. Last evaluated: 2025-06-10. Review status: criteria provided, single submitter. Criteria: ACMG Guidelines, 2015. Collection method: clinical testing. Allele origin: germline. Observed: 9 variant alleles.
Comment: BS1, BS2, BP4, BP7

Blueprint Genetics
Classification: Likely benign. Last evaluated: 2024-11-13. Review status: criteria provided, single submitter. Criteria: ACMG Guidelines, 2015. Collection method: clinical testing. Allele origin: germline.

CeGaT Center for Human Genetics Tuebingen
Classification: Benign. Last evaluated: 2023-02-01. Review status: criteria provided, single submitter. Criteria: CeGaT Center For Human Genetics Tuebingen Variant Classification Criteria Version 2. Collection method: clinical testing. Allele origin: germline. Affected: yes. Observed: 1 variant allele.
Comment: PLEC: BP4, BP7, BS1, BS2

Athena Diagnostics
Classification: Benign. Last evaluated: 2021-05-18. Review status: criteria provided, single submitter. Criteria: Athena Diagnostics criteria. Collection method: clinical testing. Allele origin: unknown.

GeneDx
Classification: Likely benign. Last evaluated: 2020-08-19. Review status: criteria provided, single submitter. Criteria: GeneDx Variant Classification Process June 2021. Collection method: clinical testing. Allele origin: germline. Affected: yes.

Eurofins Ntd Llc (ga)
Classification: Benign. Last evaluated: 2014-07-20. Review status: criteria provided, single submitter. Criteria: EGL Classification Definitions 2015. Collection method: clinical testing. Allele origin: germline. Observed: 1 variant allele, 1 heterozygote.